The following is an entry in ClinVar:

NM_024408.4(NOTCH2):c.5345del (p.Asp1782fs)

Gene: NOTCH2 (notch receptor 2; minus strand). Cytogenetic location: 1p12.
Variant type: Deletion.
Coding change: c.5345del on transcript NM_024408.4 (MANE Select); coding-DNA position 5345, one base deleted (A; older notation c.5345delA).
Protein change: p.Asp1782fs; shifts the reading frame from aspartic acid 1782.
Molecular consequence: frameshift variant.
Genome position (GRCh38, 1-based): chr1:119,920,363, T deleted on the plus strand (A on the coding strand, the reverse complement: NOTCH2 is on the minus strand). VCF-style (leftmost placement, unchanged base first): chr1-119920362-GT-G. GRCh37 (hg19) VCF-style: chr1-120462985-GT-G.
Other names: short protein forms D1782fs.
Identifiers: ClinVar variation 463175 (VCV000463175.7), dbSNP rs1553193977, ClinGen allele CA658656955.

ClinVar aggregate classification (germline): Pathogenic (1 of 4 stars; one submission).

Conditions:
Hajdu-Cheney syndrome (HJCYS). Also called: Acroosteolysis dominant type; ACROOSTEOLYSIS WITH OSTEOPOROSIS AND CHANGES IN SKULL AND MANDIBLE; SERPENTINE FIBULA-POLYCYSTIC KIDNEY SYNDROME. Identifiers: Orphanet 955, MedGen C0917715, MONDO:0007057, OMIM 102500.

Submission:

Labcorp Genetics (formerly Invitae), Labcorp
Classification: Pathogenic for Hajdu-Cheney syndrome. Last evaluated: 2017-05-06. Review status: criteria provided, single submitter. Criteria: Invitae Variant Classification Sherloc (09022015). Collection method: clinical testing. Allele origin: germline.
Comment: For these reasons, this variant has been classified as Pathogenic. While this particular variant has not been reported in the literature, loss-of-function variants in NOTCH2 are known to be pathogenic (PMID: 16773578, 22209762). This sequence change deletes 1 nucleotide from exon 30 of the NOTCH2 mRNA (c.5345delA), causing a frameshift at codon 1782. This creates a premature translational stop signal (p.Asp1782Alafs*38) and is expected to result in an absent or disrupted protein product.

Literature cited by the submitters: PubMed 16773578; PubMed 22209762.